The following is an entry in ClinVar:

NM_005251.3(FOXC2):c.1112C>T (p.Ala371Val)

Gene: FOXC2 (forkhead box C2; plus strand). Cytogenetic location: 16q24.1.
Variant type: single nucleotide variant.
Coding change: c.1112C>T on transcript NM_005251.3 (MANE Select); coding-DNA position 1112, C replaced by T.
Protein change: p.Ala371Val; replaces alanine 371 with valine.
Molecular consequence: missense variant.
Genome position (GRCh38, 1-based): chr16:86,568,447, C>T. VCF-style: chr16-86568447-C-T. GRCh37 (hg19) VCF-style: chr16-86602053-C-T.
Other names: short protein forms A371V.
Identifiers: ClinVar variation 4804854 (VCV004804854.1).

ClinVar aggregate classification (germline): Uncertain significance (1 of 4 stars; one submission).

Submission:

Labcorp Genetics (formerly Invitae), Labcorp
Classification: Uncertain significance. Last evaluated: 2025-12-06. Review status: criteria provided, single submitter. Criteria: Invitae Variant Classification Sherloc (09022015). Collection method: clinical testing. Allele origin: germline.
Comment: This sequence change replaces alanine, which is neutral and non-polar, with valine, which is neutral and non-polar, at codon 371 of the FOXC2 protein (p.Ala371Val). This variant is not present in population databases (gnomAD no frequency). This variant has not been reported in the literature in individuals affected with FOXC2-related conditions. An algorithm developed to predict the effect of missense changes on protein structure and function (PolyPhen-2) suggests that this variant is likely to be tolerated. In summary, the available evidence is currently insufficient to determine the role of this variant in disease. Therefore, it has been classified as a Variant of Uncertain Significance.